The following is an entry in ClinVar:

ClinVar aggregate classification (germline): Uncertain significance (1 of 4 stars; one submission).

Conditions:
Inborn genetic diseases. Identifiers: MedGen C0950123, MeSH D030342.

Allele frequency attached by ClinVar (database versions not stated): gnomAD exomes below 0.00001.
gnomAD v4.1: 5 of 1,614,070 alleles (0.00031%); highest among the groups gnomAD compares: Middle Eastern, 0.016%; no homozygotes.

Submission:

Ambry Genetics
Classification: Uncertain significance for Inborn genetic diseases. Last evaluated: 2020-01-08. Review status: criteria provided, single submitter. Criteria: Ambry Variant Classification Scheme 2023. Collection method: clinical testing. Allele origin: germline.
Comment: The p.R997G variant (also known as c.2989C>G), located in coding exon 18 of the POGZ gene, results from a C to G substitution at nucleotide position 2989. The arginine at codon 997 is replaced by glycine, an amino acid with dissimilar properties. This amino acid position is well conserved in available vertebrate species. In addition, this alteration is predicted to be tolerated by in silico analysis. Since supporting evidence is limited at this time, the clinical significance of this alteration remains unclear.

NM_015100.4(POGZ):c.2989C>G (p.Arg997Gly)

Gene: POGZ (pogo transposable element derived with ZNF domain; minus strand). Cytogenetic location: 1q21.3.
Variant type: single nucleotide variant.
Coding change: c.2989C>G on transcript NM_015100.4 (MANE Select); coding-DNA position 2989, C replaced by G.
Protein change: p.Arg997Gly; replaces arginine 997 with glycine.
Molecular consequence: missense variant.
Genome position (GRCh38, 1-based): chr1:151,406,046, G>C on the plus strand (C>G on the coding strand, the complement: POGZ is on the minus strand). VCF-style: chr1-151406046-G-C. GRCh37 (hg19) VCF-style: chr1-151378522-G-C.
Other names: c.2962C>G, p.Arg988Gly (NM_001194937.2); c.2803C>G, p.Arg935Gly (NM_001194938.2); c.3010C>G, p.Arg1004Gly (NM_001410860.1); c.2704C>G, p.Arg902Gly (NM_145796.4); c.2830C>G, p.Arg944Gly (NM_207171.2); short protein forms R944G, R902G, R935G, R1004G, R988G, R997G.
Identifiers: ClinVar variation 1798481 (VCV001798481.2), dbSNP rs1553212545, ClinGen allele CA341946919.